The following is an entry in ClinVar:

ClinVar aggregate classification (germline): Uncertain significance (1 of 4 stars; one submission).

Conditions:
Retinitis pigmentosa 12 (RP12). Also called: RP WITH OR WITHOUT PRESERVED PARAARTERIOLE RETINAL PIGMENT EPITHELIUM; RETINITIS PIGMENTOSA WITH OR WITHOUT PARAARTERIOLAR PRESERVATION OF RETINAL PIGMENT EPITHELIUM; RP WITH OR WITHOUT PPRPE. Identifiers: Orphanet 791, MedGen C1838647, MONDO:0010818, OMIM 600105.
Leber congenital amaurosis 8 (LCA8). Identifiers: Orphanet 65, MedGen C3151202, MONDO:0013453, OMIM 613835.

Allele frequency attached by ClinVar (database versions not stated): gnomAD 0.00001; gnomAD exomes 0.00001; TOPMed 0.00002.
gnomAD v4.1: 6 of 1,614,114 alleles (0.00037%); highest among the groups gnomAD compares: Admixed American, 0.01%; no homozygotes.

Submission:

Labcorp Genetics (formerly Invitae), Labcorp
Classification: Uncertain significance for Leber congenital amaurosis 8; Retinitis pigmentosa 12. Last evaluated: 2022-09-01. Review status: criteria provided, single submitter. Criteria: Invitae Variant Classification Sherloc (09022015). Collection method: clinical testing. Allele origin: germline.
Comment: This sequence change replaces aspartic acid, which is acidic and polar, with glutamic acid, which is acidic and polar, at codon 426 of the CRB1 protein (p.Asp426Glu). This variant is present in population databases (no rsID available, gnomAD 0.01%). This variant has not been reported in the literature in individuals affected with CRB1-related conditions. Advanced modeling of protein sequence and biophysical properties (such as structural, functional, and spatial information, amino acid conservation, physicochemical variation, residue mobility, and thermodynamic stability) performed at Invitae indicates that this missense variant is not expected to disrupt CRB1 protein function. Algorithms developed to predict the effect of sequence changes on RNA splicing suggest that this variant may create or strengthen a splice site. In summary, the available evidence is currently insufficient to determine the role of this variant in disease. Therefore, it has been classified as a Variant of Uncertain Significance.

NM_201253.3(CRB1):c.1278T>G (p.Asp426Glu)

Gene: CRB1 (crumbs cell polarity complex component 1; plus strand). Cytogenetic location: 1q31.3.
Variant type: single nucleotide variant.
Coding change: c.1278T>G on transcript NM_201253.3 (MANE Select); coding-DNA position 1278, T replaced by G.
Protein change: p.Asp426Glu; replaces aspartic acid 426 with glutamic acid.
Molecular consequence: missense variant. On other transcripts: non-coding transcript variant (2).
Genome position (GRCh38, 1-based): chr1:197,421,106, T>G. VCF-style: chr1-197421106-T-G. GRCh37 (hg19) VCF-style: chr1-197390236-T-G.
Other names: c.942T>G, p.Asp314Glu (NM_001193640.2); c.1071T>G, p.Asp357Glu (NM_001257965.2); c.1278T>G, p.Asp426Glu (NM_001257966.2); short protein forms D314E, D357E, D426E.
Identifiers: ClinVar variation 2140025 (VCV002140025.1), dbSNP rs1488538714, ClinGen allele CA344030177.